The following is an entry in ClinVar:

NM_000257.4(MYH7):c.3961G>A (p.Glu1321Lys)

Gene: MYH7 (myosin heavy chain 7; minus strand). Cytogenetic location: 14q11.2.
Variant type: single nucleotide variant.
Coding change: c.3961G>A on transcript NM_000257.4 (MANE Select); coding-DNA position 3961, G replaced by A.
Protein change: p.Glu1321Lys; replaces glutamic acid 1321 with lysine.
Molecular consequence: missense variant.
Genome position (GRCh38, 1-based): chr14:23,419,188, C>T on the plus strand (G>A on the coding strand, the complement: MYH7 is on the minus strand). VCF-style: chr14-23419188-C-T. GRCh37 (hg19) VCF-style: chr14-23888397-C-T.
Other names: short protein forms E1321K.
Identifiers: ClinVar variation 1025697 (VCV001025697.8), dbSNP rs1892358961, ClinGen allele CA389041451.

ClinVar aggregate classification (germline): Uncertain significance. Review status: criteria provided, multiple submitters, no conflicts (2 of 4 stars). 2 submissions from 2 submitters: Uncertain significance (2). Last evaluated 2025-09-24.

Conditions:
Dilated cardiomyopathy 1S (CMD1S). Identifiers: Orphanet 154, Orphanet 54260, MedGen C1834481, MONDO:0013262, OMIM 613426.
Hypertrophic cardiomyopathy. Also called: HYPERTROPHIC MYOCARDIOPATHY. Identifiers: Orphanet 217569, MedGen C0007194, MeSH D002312, MONDO:0005045, HP:0001639.

Submissions (2):

Genesolutions, Medical Genetics Institutes, Ho Chi Minh City, Vietnam
Classification: Uncertain significance for Dilated cardiomyopathy 1S. Last evaluated: 2025-09-24. Review status: criteria provided, single submitter. Criteria: ACMG Guidelines, 2015. Collection method: clinical testing. Allele origin: germline. Affected: yes.

Labcorp Genetics (formerly Invitae), Labcorp
Classification: Uncertain significance for Hypertrophic cardiomyopathy. Last evaluated: 2020-07-27. Review status: criteria provided, single submitter. Criteria: Invitae Variant Classification Sherloc (09022015). Collection method: clinical testing. Allele origin: germline.
Comment: In summary, the available evidence is currently insufficient to determine the role of this variant in disease. Therefore, it has been classified as a Variant of Uncertain Significance. Algorithms developed to predict the effect of missense changes on protein structure and function are either unavailable or do not agree on the potential impact of this missense change (SIFT: "Deleterious"; PolyPhen-2: "Probably Damaging"; Align-GVGD: "Class C0"). This variant has not been reported in the literature in individuals with MYH7-related conditions. This variant is not present in population databases (ExAC no frequency). This sequence change replaces glutamic acid with lysine at codon 1321 of the MYH7 protein (p.Glu1321Lys). The glutamic acid residue is highly conserved and there is a small physicochemical difference between glutamic acid and lysine.